The following is an entry in ClinVar:

ClinVar aggregate classification (germline): Uncertain significance (1 of 4 stars; one submission).

Conditions:
Glutaric aciduria, type 1. Also called: GA I; Glutaryl-CoA dehydrogenase deficiency; Glutaric acidemia type I; Glutaricacidemia Type 1; Glutaricaciduria, type I; Glutaric Acidemia Type 1. Identifiers: Orphanet 25, MedGen C0268595, MONDO:0009281, OMIM 231670.

Submission:

Neuberg Centre For Genomic Medicine, NCGM
Classification: Uncertain significance for Glutaric aciduria, type 1. Review status: criteria provided, single submitter. Criteria: ACMG Guidelines, 2015. Collection method: clinical testing. Allele origin: germline. Affected: yes.
Comment: The missense c.178C>Ap.Leu60Met variant in GCDH gene has not been reported previously as a pathogenic variant nor as a benign variant, to our knowledge. This variant is novel not in any individuals in gnomAD Exomes and 1000 Genomes. The amino acid Leu at position 60 is changed to a Met changing protein sequence and it might alter its composition and physico-chemical properties. The amino acid change p.Leu60Met in GCDH is predicted as conserved by GERP++ and PhyloP across 100 vertebrates. The variant is predicted as damaging by SIFT. For these reasons, this variant has been classified as Uncertain Significance.

NM_000159.4(GCDH):c.178C>A (p.Leu60Met)

Genes: GCDH (glutaryl-CoA dehydrogenase; plus strand), LOC117125594 (CRISPRi-FlowFISH-validated KLF1 regulatory element; plus strand). Cytogenetic location: 19p13.13.
Variant type: single nucleotide variant.
Coding change: c.178C>A on transcript NM_000159.4 (MANE Select); coding-DNA position 178, C replaced by A.
Protein change: p.Leu60Met; replaces leucine 60 with methionine.
Molecular consequence: missense variant. On other transcripts: non-coding transcript variant (2).
Genome position (GRCh38, 1-based): chr19:12,891,881, C>A. VCF-style: chr19-12891881-C-A. GRCh37 (hg19) VCF-style: chr19-13002695-C-A.
Other names: c.178C>A, p.Leu60Met (NM_013976.5); short protein forms L60M.
Identifiers: ClinVar variation 3234976 (VCV003234976.1), dbSNP rs2512564914, ClinGen allele CA404315009.